The following is an entry in ClinVar:

ClinVar aggregate classification (germline): Uncertain significance. Review status: criteria provided, multiple submitters, no conflicts (2 of 4 stars). 2 submissions from 2 submitters: Uncertain significance (2). Last evaluated 2025-05-26.

Conditions:
Hereditary cancer-predisposing syndrome. Also called: Neoplastic Syndromes, Hereditary; Hereditary neoplastic syndrome; Tumor predisposition; Hereditary Cancer Syndrome. Identifiers: Orphanet 140162, MedGen C0027672, MeSH D009386, MONDO:0015356.
Microcephaly, normal intelligence and immunodeficiency (NBS). Also called: Microcephaly with normal intelligence immunodeficiency and lymphoreticular malignancies; Nonsyndromal microcephaly autosomal recessive with normal intelligence; Seemanova syndrome 2; Immunodeficiency, microcephaly with normal intelligence; SEEMANOVA SYNDROME II; Ataxia telangiectasia variant V1. Identifiers: Orphanet 647, MedGen C0398791, MONDO:0009623, OMIM 251260.

Allele frequency attached by ClinVar (database versions not stated): gnomAD below 0.00001 and 0.00001.
gnomAD v4.1: 1 of 1,613,268 alleles (0.000062%); highest among the groups gnomAD compares: South Asian, 0.0011%; no homozygotes.

Submissions (2):

Ambry Genetics
Classification: Uncertain significance for Hereditary cancer-predisposing syndrome. Last evaluated: 2025-05-26. Review status: criteria provided, single submitter. Criteria: Ambry Variant Classification Scheme 2023. Collection method: clinical testing. Allele origin: germline.
Comment: The p.A496V variant (also known as c.1487C>T), located in coding exon 11 of the NBN gene, results from a C to T substitution at nucleotide position 1487. The alanine at codon 496 is replaced by valine, an amino acid with similar properties. This amino acid position is conserved. In addition, this alteration is predicted to be tolerated by in silico analysis. Based on the available evidence, the clinical significance of this variant remains unclear.

Labcorp Genetics (formerly Invitae), Labcorp
Classification: Uncertain significance for Microcephaly, normal intelligence and immunodeficiency. Last evaluated: 2019-11-10. Review status: criteria provided, single submitter. Criteria: Invitae Variant Classification Sherloc (09022015). Collection method: clinical testing. Allele origin: germline.
Comment: In summary, the available evidence is currently insufficient to determine the role of this variant in disease. Therefore, it has been classified as a Variant of Uncertain Significance. Algorithms developed to predict the effect of missense changes on protein structure and function output the following: SIFT: "Tolerated"; PolyPhen-2: "Benign"; Align-GVGD: "Class C0". The valine amino acid residue is found in multiple mammalian species, suggesting that this missense change does not adversely affect protein function. These predictions have not been confirmed by published functional studies and their clinical significance is uncertain. This variant has not been reported in the literature in individuals with NBN-related disease. This variant is not present in population databases (ExAC no frequency). This sequence change replaces alanine with valine at codon 496 of the NBN protein (p.Ala496Val). The alanine residue is weakly conserved and there is a small physicochemical difference between alanine and valine.

NM_002485.5(NBN):c.1487C>T (p.Ala496Val)

Gene: NBN (nibrin; minus strand). Cytogenetic location: 8q21.3.
Variant type: single nucleotide variant.
Coding change: c.1487C>T on transcript NM_002485.5 (MANE Select); coding-DNA position 1487, C replaced by T.
Protein change: p.Ala496Val; replaces alanine 496 with valine.
Molecular consequence: missense variant.
Genome position (GRCh38, 1-based): chr8:89,953,602, G>A on the plus strand (C>T on the coding strand, the complement: NBN is on the minus strand). VCF-style: chr8-89953602-G-A. GRCh37 (hg19) VCF-style: chr8-90965830-G-A.
Other names: c.1241C>T, p.Ala414Val (NM_001024688.3); short protein forms A414V, A496V.
Identifiers: ClinVar variation 659869 (VCV000659869.11), dbSNP rs1586054406, ClinGen allele CA371655753.